The following is an entry in ClinVar:

ClinVar aggregate classification (germline): Uncertain significance. Review status: criteria provided, multiple submitters, no conflicts (2 of 4 stars). 2 submissions from 2 submitters: Uncertain significance (2). Last evaluated 2026-08-17.

Conditions:
Hereditary cancer-predisposing syndrome. Also called: Tumor predisposition; Hereditary Cancer Syndrome; Hereditary neoplastic syndrome; Neoplastic Syndromes, Hereditary. Identifiers: Orphanet 140162, MedGen C0027672, MeSH D009386, MONDO:0015356.

Submissions (2):

Ambry Genetics
Classification: Uncertain significance for Hereditary cancer-predisposing syndrome. Last evaluated: 2026-08-17. Review status: criteria provided, single submitter. Criteria: Ambry Variant Classification Scheme 2023. Collection method: clinical testing. Allele origin: germline.
Comment: The p.P304S variant (also known as c.910C>T), located in coding exon 7 of the FH gene, results from a C to T substitution at nucleotide position 910. The proline at codon 304 is replaced by serine, an amino acid with similar properties. This amino acid position is highly conserved in available vertebrate species. In addition, this alteration is predicted to be deleterious by in silico analysis. Based on the available evidence, the clinical significance of this variant remains unclear.

Labcorp Genetics (formerly Invitae), Labcorp
Classification: Uncertain significance. Last evaluated: 2021-07-22. Review status: criteria provided, single submitter. Criteria: Invitae Variant Classification Sherloc (09022015). Collection method: clinical testing. Allele origin: germline.
Comment: This variant has not been reported in the literature in individuals with FH-related conditions. In summary, the available evidence is currently insufficient to determine the role of this variant in disease. Therefore, it has been classified as a Variant of Uncertain Significance. Algorithms developed to predict the effect of missense changes on protein structure and function are either unavailable or do not agree on the potential impact of this missense change (SIFT: "Deleterious"; PolyPhen-2: "Benign"; Align-GVGD: "Class C0"). This variant is not present in population databases (ExAC no frequency). This sequence change replaces proline with serine at codon 304 of the FH protein (p.Pro304Ser). The proline residue is highly conserved and there is a moderate physicochemical difference between proline and serine.

NM_000143.4(FH):c.910C>T (p.Pro304Ser)

Gene: FH (fumarate hydratase; minus strand). Cytogenetic location: 1q43.
Variant type: single nucleotide variant.
Coding change: c.910C>T on transcript NM_000143.4 (MANE Select); coding-DNA position 910, C replaced by T.
Protein change: p.Pro304Ser; replaces proline 304 with serine.
Molecular consequence: missense variant.
Genome position (GRCh38, 1-based): chr1:241,504,240, G>A on the plus strand (C>T on the coding strand, the complement: FH is on the minus strand). VCF-style: chr1-241504240-G-A. GRCh37 (hg19) VCF-style: chr1-241667540-G-A.
Other names: short protein forms P304S.
Identifiers: ClinVar variation 970969 (VCV000970969.12), dbSNP rs1659857790, ClinGen allele CA345438425.
Genomic context (GRCh38, chr1:241,504,240, plus strand): 5'-GCTCAACCAGAGCGTCATGAGCAGCCAGAGCTTCAAATTTATTCGGAGCAGTGACAAAAG[G>A]CAAGCCTAAAGAAAAGAAAAATATCCTAGATGGGTGAACAAGTTAAACTAAACATTTTTC-3'
Protein context (NP_000134.2, residues 294-314): AAKVAALTGL[Pro304Ser]FVTAPNKFEA